The following is an entry in ClinVar:

ClinVar aggregate classification (germline): Conflicting classifications of pathogenicity. Review status: criteria provided, conflicting classifications (1 of 4 stars). 7 submissions from 7 submitters: Pathogenic (2); Likely pathogenic (3); Uncertain significance (2). Last evaluated 2025-09-11.

Conditions:
Pontocerebellar hypoplasia type 2D (PCH2D). Also called: Progressive cerebello-cerebral atrophy. Identifiers: Orphanet 247198, Orphanet 2524, MedGen C3151140, MONDO:0013438, OMIM 613811.
SEPSECS-related disorder. Also called: SEPSECS-related condition.

Allele frequency attached by ClinVar (database versions not stated): ExAC 0.00004; gnomAD 0.00005 and 0.00006; TOPMed 0.00005; gnomAD exomes 0.00007.
gnomAD v4.1: 103 of 1,483,956 alleles (0.0069%); highest among the groups gnomAD compares: Admixed American, 0.017%; no homozygotes.

Submissions (7):

Clinical Genetics Laboratory, Universite de Sherbrooke
Classification: Pathogenic for Pontocerebellar hypoplasia type 2D. Last evaluated: 2025-09-11. Review status: criteria provided, single submitter. Criteria: ACMG Guidelines, 2015. Collection method: research. Allele origin: germline. Affected: yes. Observed: 2 variant alleles.
Comment: Was identified in the homozygous state in three affected individuals from two unrelated Acadian families with clinical features consistent with SEPSECS-related PCH2D. The variant was initially identified by exome sequencing as a non-canonical splice-site variant of uncertain significance. RNA-seq analysis demonstrated aberrant splicing with exon 3 skipping, generating an out-of-frame transcript consistent with a loss-of-function mechanism. These functional RNA findings support pathogenicity of the variant and its role in establishing the molecular diagnosis.

Women's Health and Genetics/Laboratory Corporation of America, LabCorp
Classification: Uncertain significance. Last evaluated: 2025-03-17. Review status: criteria provided, single submitter. Criteria: LabCorp Variant Classification Summary - May 2015. Collection method: clinical testing. Allele origin: germline.
Comment: Variant summary: SEPSECS c.388+3A>G alters a conserved nucleotide located close to a canonical splice site and therefore could affect mRNA splicing, leading to a significantly altered protein sequence. Several computational tools predict a significant impact on normal splicing: One predict the variant abolishes a 5 splicing donor site. Three predict the variant weakens a 5' donor site. However, these predictions have yet to be confirmed by functional studies. The variant allele was found at a frequency of 6.8e-05 in 251424 control chromosomes. This frequency is not significantly higher than estimated for a pathogenic variant in SEPSECS causing Pontocerebellar Hypoplasia, Type 2D (6.8e-05 vs 0.0011), allowing no conclusion about variant significance. c.388+3A>G has been reported in the literature as a compound heterozygous genotype in at least one individual affected with Pontocerebellar Hypoplasia, Type 2D who underwent trio based whole exome sequencing (e.g., Zhu_2015). To our knowledge, no experimental evidence demonstrating an impact on protein function has been reported. The following publication has been ascertained in the context of this evaluation (PMID: 25590979). ClinVar contains an entry for this variant (Variation ID: 378569). Based on the evidence outlined above, the variant was classified as uncertain significance.

Blueprint Genetics
Classification: Pathogenic for SEPSECS-related disorders. Last evaluated: 2024-11-06. Review status: criteria provided, single submitter. Criteria: ACMG Guidelines, 2015. Collection method: clinical testing. Allele origin: germline. Affected: yes. Observed: 5 variant alleles.

Fulgent Genetics
Classification: Likely pathogenic for Pontocerebellar hypoplasia type 2D. Last evaluated: 2024-05-16. Review status: criteria provided, single submitter. Criteria: ACMG Guidelines, 2015. Collection method: clinical testing. Allele origin: germline.

GeneDx
Classification: Likely pathogenic. Last evaluated: 2023-08-19. Review status: criteria provided, single submitter. Criteria: GeneDx Variant Classification Process June 2021. Collection method: clinical testing. Allele origin: germline. Affected: yes.
Comment: In silico analysis is inconclusive as to whether the variant alters gene splicing. In the absence of RNA/functional studies, the actual effect of this sequence change is unknown.; This variant is associated with the following publications: (PMID: 29709707, 25590979)

Duke University Health System Sequencing Clinic, Duke University Health System
Classification: Likely pathogenic for Pontocerebellar hypoplasia type 2D. Last evaluated: 2023-04-20. Review status: criteria provided, single submitter. Criteria: ACMG Guidelines, 2015. Collection method: research. Allele origin: paternal. Affected: yes.

Labcorp Genetics (formerly Invitae), Labcorp
Classification: Uncertain significance. Last evaluated: 2021-08-13. Review status: criteria provided, single submitter. Criteria: Invitae Variant Classification Sherloc (09022015). Collection method: clinical testing. Allele origin: germline.
Comment: This sequence change falls in intron 3 of the SEPSECS gene. It does not directly change the encoded amino acid sequence of the SEPSECS protein. It affects a nucleotide within the consensus splice site of the intron. This variant is present in population databases (rs757504141, ExAC 0.02%). This variant has been observed in individuals with hypotonia, global DD, microcephaly with progressive cerebellar and vermian atrophy (PMID: 25590979). ClinVar contains an entry for this variant (Variation ID: 378569). Variants that disrupt the consensus splice site are a relatively common cause of aberrant splicing (PMID: 17576681, 9536098). Algorithms developed to predict the effect of sequence changes on RNA splicing suggest that this variant may disrupt the consensus splice site. In summary, the available evidence is currently insufficient to determine the role of this variant in disease. Therefore, it has been classified as a Variant of Uncertain Significance.

Literature cited by the submitters: PubMed 25590979 (cited by 3 submitters); PubMed 17576681 (cited by Labcorp Genetics (formerly Invitae), Labcorp); PubMed 9536098 (cited by Labcorp Genetics (formerly Invitae), Labcorp).

NM_016955.4(SEPSECS):c.388+3A>G

Gene: SEPSECS (Sep (O-phosphoserine) tRNA:Sec (selenocysteine) tRNA synthase; minus strand). Cytogenetic location: 4p15.2.
Variant type: single nucleotide variant.
Coding change: c.388+3A>G on transcript NM_016955.4 (MANE Select); 3 bases into the intron after coding-DNA position 388, A replaced by G.
Molecular consequence: intron variant.
Genome position (GRCh38, 1-based): chr4:25,156,853, T>C on the plus strand (A>G on the coding strand, the complement: SEPSECS is on the minus strand). VCF-style: chr4-25156853-T-C. GRCh37 (hg19) VCF-style: chr4-25158475-T-C.
Other names: -.
Identifiers: ClinVar variation 378569 (VCV000378569.18), dbSNP rs757504141, ClinGen allele CA2877468.